The following is an entry in ClinVar:

ClinVar aggregate classification (germline): Uncertain significance. Review status: criteria provided, multiple submitters, no conflicts (2 of 4 stars). 3 submissions from 3 submitters: Uncertain significance (3). Last evaluated 2025-01-10.

Conditions:
Cardiovascular phenotype. Identifiers: MedGen CN230736.
Hypertrophic cardiomyopathy 26. Also called: Cardiomyopathy, familial hypertrophic, 26. Identifiers: Orphanet 75249, MedGen C4310749, MONDO:0014883, OMIM 617047.
Myofibrillar myopathy 5. Also called: FILAMINOPATHY, AUTOSOMAL DOMINANT; Filaminopathy (type). Identifiers: Orphanet 171445, MedGen C1836050, MONDO:0012289, OMIM 609524.
Distal myopathy with posterior leg and anterior hand involvement. Also called: WILLIAMS DISTAL MYOPATHY. Identifiers: Orphanet 63273, MedGen C3279722, MONDO:0013550, OMIM 614065.

Submissions (3):

Ambry Genetics
Classification: Uncertain significance for Cardiovascular phenotype. Last evaluated: 2025-01-10. Review status: criteria provided, single submitter. Criteria: Ambry Variant Classification Scheme 2023. Collection method: clinical testing. Allele origin: germline.
Comment: The p.Y1623C variant (also known as c.4868A>G), located in coding exon 28 of the FLNC gene, results from an A to G substitution at nucleotide position 4868. The tyrosine at codon 1623 is replaced by cysteine, an amino acid with highly dissimilar properties. This amino acid position is conserved. In addition, the in silico prediction for this alteration is inconclusive. Based on the available evidence, the clinical significance of this variant remains unclear.

GeneDx
Classification: Uncertain significance. Last evaluated: 2023-08-02. Review status: criteria provided, single submitter. Criteria: GeneDx Variant Classification Process June 2021. Collection method: clinical testing. Allele origin: germline. Affected: yes.
Comment: Not observed at significant frequency in large population cohorts (gnomAD); In silico analysis supports that this missense variant has a deleterious effect on protein structure/function; Has not been previously published as pathogenic or benign to our knowledge

Labcorp Genetics (formerly Invitae), Labcorp
Classification: Uncertain significance for Distal myopathy with posterior leg and anterior hand involvement; Myofibrillar myopathy 5; Hypertrophic cardiomyopathy 26. Last evaluated: 2020-07-27. Review status: criteria provided, single submitter. Criteria: Invitae Variant Classification Sherloc (09022015). Collection method: clinical testing. Allele origin: germline.
Comment: In summary, the available evidence is currently insufficient to determine the role of this variant in disease. Therefore, it has been classified as a Variant of Uncertain Significance. Algorithms developed to predict the effect of missense changes on protein structure and function are either unavailable or do not agree on the potential impact of this missense change (SIFT: "Deleterious"; PolyPhen-2: "Benign"; Align-GVGD: "Class C0"). This variant has not been reported in the literature in individuals with FLNC-related conditions. This variant is not present in population databases (ExAC no frequency). This sequence change replaces tyrosine with cysteine at codon 1623 of the FLNC protein (p.Tyr1623Cys). The tyrosine residue is highly conserved and there is a large physicochemical difference between tyrosine and cysteine.

NM_001458.5(FLNC):c.4868A>G (p.Tyr1623Cys)

Gene: FLNC (filamin C; plus strand). Cytogenetic location: 7q32.1.
Variant type: single nucleotide variant.
Coding change: c.4868A>G on transcript NM_001458.5 (MANE Select); coding-DNA position 4868, A replaced by G.
Protein change: p.Tyr1623Cys; replaces tyrosine 1623 with cysteine.
Molecular consequence: missense variant.
Genome position (GRCh38, 1-based): chr7:128,848,923, A>G. VCF-style: chr7-128848923-A-G. GRCh37 (hg19) VCF-style: chr7-128488977-A-G.
Other names: c.4868A>G, p.Tyr1623Cys (NM_001127487.2); c.4868A>G (NM_001458.4); short protein forms Y1623C.
Identifiers: ClinVar variation 1017827 (VCV001017827.11), dbSNP rs1585164018, ClinGen allele CA369203421.
Genomic context (GRCh38, chr7:128,848,923, plus strand): 5'-TGCCGGACATGAGTGGCCGGTACACCATCACCATCAAGTATGGCGGTGATGAGATCCCCT[A>G]CTCGCCCTTCCGCATCCATGCTCTGCCCACTGGGGATGCCAGCAAGTGCCTCGTCACAGG-3'
Protein context (NP_001449.3, residues 1613-1633): TIKYGGDEIP[Tyr1623Cys]SPFRIHALPT